The following is an entry in ClinVar:

ClinVar aggregate classification (germline): Conflicting classifications of pathogenicity. Review status: criteria provided, conflicting classifications (1 of 4 stars). 3 submissions from 3 submitters: Uncertain significance (1); Benign (1); Likely benign (1). Last evaluated 2026-02-03.

Allele frequency attached by ClinVar (database versions not stated): gnomAD exomes 0.00017 and 0.00049; ExAC 0.00073; 1000 Genomes Project 30x 0.00156; 1000 Genomes Project 0.00160; gnomAD 0.00181 and 0.00196; TOPMed 0.00196; ESP Exome Variant Server 0.00223.

Submissions (3):

Labcorp Genetics (formerly Invitae), Labcorp
Classification: Benign. Last evaluated: 2026-02-03. Review status: criteria provided, single submitter. Criteria: Invitae Variant Classification Sherloc (09022015). Collection method: clinical testing. Allele origin: germline.

GeneDx
Classification: Uncertain significance. Last evaluated: 2025-04-01. Review status: criteria provided, single submitter. Criteria: GeneDx Variant Classification Process June 2021. Collection method: clinical testing. Allele origin: germline. Affected: yes.
Comment: Has not been previously published as pathogenic or benign to our knowledge; In silico analysis supports that this missense variant has a deleterious effect on protein structure/function; Variants in candidate genes are classified as variants of uncertain significance in accordance with ACMG guidelines (PMID: 25741868)

Blueprint Genetics
Classification: Likely benign. Last evaluated: 2024-11-11. Review status: criteria provided, single submitter. Criteria: ACMG Guidelines, 2015. Collection method: clinical testing. Allele origin: germline.

NM_201550.4(LRRC10):c.521T>C (p.Leu174Pro)

Gene: LRRC10 (leucine rich repeat containing 10; minus strand). Cytogenetic location: 12q15.
Variant type: single nucleotide variant.
Coding change: c.521T>C on transcript NM_201550.4 (MANE Select); coding-DNA position 521, T replaced by C.
Protein change: p.Leu174Pro; replaces leucine 174 with proline.
Molecular consequence: missense variant.
Genome position (GRCh38, 1-based): chr12:69,610,318, A>G on the plus strand (T>C on the coding strand, the complement: LRRC10 is on the minus strand). VCF-style: chr12-69610318-A-G. GRCh37 (hg19) VCF-style: chr12-70004098-A-G.
Other names: short protein forms L174P.
Identifiers: ClinVar variation 478139 (VCV000478139.18), dbSNP rs146361892, ClinGen allele CA6681051.